The following is an entry in ClinVar:

ClinVar aggregate classification (germline): Uncertain significance (1 of 4 stars; one submission).

Allele frequency attached by ClinVar (database versions not stated): gnomAD exomes below 0.00001.
gnomAD v4.1: 1 of 1,613,822 alleles (0.000062%); highest among the groups gnomAD compares: Non-Finnish European, 0.000085%; no homozygotes.

Submission:

Ambry Genetics
Classification: Uncertain significance. Last evaluated: 2023-03-03. Review status: criteria provided, single submitter. Criteria: Ambry Variant Classification Scheme 2023. Collection method: clinical testing. Allele origin: germline.
Comment: The p.P1009L variant (also known as c.3026C>T), located in coding exon 17 of the PALLD gene, results from a C to T substitution at nucleotide position 3026. The proline at codon 1009 is replaced by leucine, an amino acid with similar properties. This amino acid position is conserved. In addition, this alteration is predicted to be tolerated by in silico analysis. Since supporting evidence is limited at this time, the clinical significance of this alteration remains unclear.

NM_001166108.2(PALLD):c.3077C>T (p.Pro1026Leu)

Genes: CBR4 (carbonyl reductase 4; minus strand), PALLD (palladin, cytoskeletal associated protein; plus strand). Cytogenetic location: 4q32.3.
Variant type: single nucleotide variant.
Coding change: c.3077C>T on transcript NM_001166108.2 (MANE Select); coding-DNA position 3077, C replaced by T.
Protein change: p.Pro1026Leu; replaces proline 1026 with leucine.
Molecular consequence: missense variant.
Genome position (GRCh38, 1-based): chr4:168,924,273, C>T. VCF-style: chr4-168924273-C-T. GRCh37 (hg19) VCF-style: chr4-169845424-C-T.
Other names: c.1880C>T, p.Pro627Leu (NM_001166109.2); c.1565C>T, p.Pro522Leu (NM_001166110.2); c.905C>T, p.Pro302Leu (NM_001367567.1, NM_001367569.1); c.956C>T, p.Pro319Leu (NM_001367568.1, NM_001367570.1); c.3026C>T, p.Pro1009Leu (NM_016081.4); short protein forms P1009L, P302L, P522L, P1026L, P319L, P627L.
Identifiers: ClinVar variation 2497009 (VCV002497009.2), dbSNP rs2534250586, ClinGen allele CA358711718.